The following is an entry in ClinVar:

ClinVar aggregate classification (germline): Conflicting classifications of pathogenicity. Review status: criteria provided, conflicting classifications (1 of 4 stars). 4 submissions from 4 submitters: Uncertain significance (3); Benign (1). Last evaluated 2026-08-26.

Conditions:
ACTN2-related disorder. Also called: ACTN2 related condition; ACTN2-related disorders.
Cardiovascular phenotype. Identifiers: MedGen CN230736.
Primary familial hypertrophic cardiomyopathy (HCM). Identifiers: Orphanet 99739, MedGen C0949658, MeSH D024741, MONDO:0024573. Inheritance: Various modes of inheritance.
Dilated cardiomyopathy 1AA (CMD1AA). Also called: CARDIOMYOPATHY, DILATED, 1AA, WITH OR WITHOUT LEFT VENTRICULAR NONCOMPACTION; CARDIOMYOPATHY, FAMILIAL HYPERTROPHIC, 23, WITH OR WITHOUT LEFT VENTRICULAR NONCOMPACTION; Cardiomyopathy, dilated, 1AA, with or without LVNC. Identifiers: Orphanet 154, MedGen C2677338, MONDO:0012808, OMIM 612158.

Allele frequency attached by ClinVar (database versions not stated): gnomAD exomes 0.00001 and 0.00002; gnomAD 0.00002; TOPMed 0.00002.
gnomAD v4.1: 35 of 1,613,902 alleles (0.0022%); highest among the groups gnomAD compares: African/African-American, 0.008%; no homozygotes.

Submissions (4):

PreventionGenetics, part of Exact Sciences
Classification: Uncertain significance for ACTN2-related condition. Last evaluated: 2026-08-26. Review status: criteria provided, single submitter. Criteria: ACMG Guidelines, 2015. Collection method: clinical testing. Allele origin: germline.
Comment: The ACTN2 c.920G>A variant is predicted to result in the amino acid substitution p.Arg307Gln. This variant has been reported in an individual with dilated cardiomyopathy (Table S3, Mazzarotto et al. 2020. PubMed ID: 31983221). This variant is reported in 0.0040% of alleles in individuals of African descent in gnomAD. At this time, the clinical significance of this variant is uncertain due to the absence of conclusive functional and genetic evidence.

Labcorp Genetics (formerly Invitae), Labcorp
Classification: Benign for Primary familial hypertrophic cardiomyopathy; Dilated cardiomyopathy 1AA. Last evaluated: 2025-07-03. Review status: criteria provided, single submitter. Criteria: Invitae Variant Classification Sherloc (09022015). Collection method: clinical testing. Allele origin: germline.

GeneDx
Classification: Uncertain significance. Last evaluated: 2024-06-26. Review status: criteria provided, single submitter. Criteria: GeneDx Variant Classification Process June 2021. Collection method: clinical testing. Allele origin: germline. Affected: yes.
Comment: Identified in a patient with DCM in published literature (PMID: 31983221); Not observed at significant frequency in large population cohorts (gnomAD); In silico analysis supports that this missense variant has a deleterious effect on protein structure/function; This variant is associated with the following publications: (PMID: 31983221, 30681346)

Ambry Genetics
Classification: Uncertain significance for Cardiovascular phenotype. Last evaluated: 2022-03-31. Review status: criteria provided, single submitter. Criteria: Ambry Variant Classification Scheme 2023. Collection method: clinical testing. Allele origin: germline.
Comment: The p.R307Q variant (also known as c.920G>A), located in coding exon 10 of the ACTN2 gene, results from a G to A substitution at nucleotide position 920. The arginine at codon 307 is replaced by glutamine, an amino acid with highly similar properties. This variant has been detected in an individual from a dilated cardiomyopathy cohort; however, details were limited (Mazzarotto F et al. Circulation. 2020 02;141(5):387-398). This amino acid position is highly conserved in available vertebrate species. In addition, the in silico prediction for this alteration is inconclusive. Since supporting evidence is limited at this time, the clinical significance of this alteration remains unclear.

Literature cited by the submitters: PubMed 31983221 (cited by Ambry Genetics).

NM_001103.4(ACTN2):c.920G>A (p.Arg307Gln)

Gene: ACTN2 (actinin alpha 2; plus strand). Cytogenetic location: 1q43.
Variant type: single nucleotide variant.
Coding change: c.920G>A on transcript NM_001103.4 (MANE Select); coding-DNA position 920, G replaced by A.
Protein change: p.Arg307Gln; replaces arginine 307 with glutamine.
Molecular consequence: missense variant.
Genome position (GRCh38, 1-based): chr1:236,739,345, G>A. VCF-style: chr1-236739345-G-A. GRCh37 (hg19) VCF-style: chr1-236902645-G-A.
Other names: c.920G>A, p.Arg307Gln (NM_001278343.2); c.296G>A, p.Arg99Gln (NM_001278344.2); short protein forms R307Q, R99Q.
Identifiers: ClinVar variation 412268 (VCV000412268.11), dbSNP rs112882610, ClinGen allele CA16610061.